The following is an entry in ClinVar:

ClinVar aggregate classification (germline): Conflicting classifications of pathogenicity. Review status: criteria provided, conflicting classifications (1 of 4 stars). 5 submissions from 5 submitters: Uncertain significance (1); Benign (3); Likely benign (1). Last evaluated 2025-08-10.

Conditions:
Alzheimer disease. Also called: Presenile and senile dementia; Alzheimer's disease. Identifiers: Orphanet 1020, MedGen C0002395, MeSH D000544, MONDO:0004975, HP:0002511.

Allele frequency attached by ClinVar (database versions not stated): gnomAD exomes 0.00028 and 0.00068; TOPMed 0.00038; gnomAD 0.00040 and 0.00043; ESP Exome Variant Server 0.00046; ExAC 0.00047.
gnomAD v4.1: 515 of 1,614,066 alleles (0.032%); highest among the groups gnomAD compares: Admixed American, 0.043%; 1 homozygote.

Submissions (5):

Labcorp Genetics (formerly Invitae), Labcorp
Classification: Benign for Alzheimer disease. Last evaluated: 2025-08-10. Review status: criteria provided, single submitter. Criteria: Invitae Variant Classification Sherloc (09022015). Collection method: clinical testing. Allele origin: germline.

Mayo Clinic Laboratories, Mayo Clinic
Classification: Benign. Last evaluated: 2024-06-12. Review status: criteria provided, single submitter. Criteria: ACMG Guidelines, 2015. Collection method: clinical testing. Allele origin: germline. Observed: 3 variant alleles.
Comment: BA1

Illumina Laboratory Services, Illumina
Classification: Likely benign for Alzheimer disease type 1. Last evaluated: 2018-01-12. Review status: criteria provided, single submitter. Criteria: ICSL Variant Classification Criteria 13 December 2019. Collection method: clinical testing. Allele origin: germline.
Comment: This variant was observed in the ICSL laboratory as part of a predisposition screen in an ostensibly healthy population. It had not been previously curated by ICSL or reported in the Human Gene Mutation Database (HGMD: prior to June 1st, 2018), and was therefore a candidate for classification through an automated scoring system. Utilizing variant allele frequency, disease prevalence and penetrance estimates, and inheritance mode, an automated score was calculated to assess if this variant is too frequent to cause the disease. Based on the score and internal cut-off values, a variant classified as likely benign is not then subjected to further curation. The score for this variant resulted in a classification of likely benign for this disease.

Athena Diagnostics
Classification: Benign. Last evaluated: 2017-03-07. Review status: criteria provided, single submitter. Criteria: Athena Diagnostics Criteria. Collection method: clinical testing. Allele origin: germline.

GeneDx
Classification: Uncertain significance. Last evaluated: 2016-03-24. Review status: criteria provided, single submitter. Criteria: GeneDx Variant Classification (06012015). Collection method: clinical testing. Allele origin: germline. Affected: yes.
Comment: The S198P variant in the APP gene has not been reported previously as a pathogenic variant, nor as a benign variant, to our knowledge. The S198P variant was not observed at any significant frequency in approximately 6500 individuals of European and African American ancestry in the NHLBI Exome Sequencing Project, indicating it is not a common benign variant in these populations. The S198P variant is a non-conservative amino acid substitution, which is likely to impact secondary protein structure as these residues differ in polarity, charge, size and/or other properties. This substitution occurs at a position that is conserved across species. In silico analysis predicts this variant is probably damaging to the protein structure/function. We interpret S198P as a variant of uncertain significance.

Literature cited by the submitters: PubMed 31580390 (cited by Mayo Clinic Laboratories, Mayo Clinic); PubMed 32917274 (cited by Mayo Clinic Laboratories, Mayo Clinic); PubMed 33822840 (cited by Mayo Clinic Laboratories, Mayo Clinic); PubMed 35074912 (cited by Mayo Clinic Laboratories, Mayo Clinic); PubMed 36963821 (cited by Mayo Clinic Laboratories, Mayo Clinic); PubMed 37307834 (cited by Mayo Clinic Laboratories, Mayo Clinic); PubMed 37686283 (cited by Mayo Clinic Laboratories, Mayo Clinic); PubMed 37801072 (cited by Mayo Clinic Laboratories, Mayo Clinic); PubMed 37919079 (cited by Mayo Clinic Laboratories, Mayo Clinic).

NM_000484.4(APP):c.592T>C (p.Ser198Pro)

Gene: APP (amyloid beta precursor protein; minus strand). Cytogenetic location: 21q21.3.
Variant type: single nucleotide variant.
Coding change: c.592T>C on transcript NM_000484.4 (MANE Select); coding-DNA position 592, T replaced by C.
Protein change: p.Ser198Pro; replaces serine 198 with proline.
Molecular consequence: missense variant.
Genome position (GRCh38, 1-based): chr21:26,051,070, A>G on the plus strand (T>C on the coding strand, the complement: APP is on the minus strand). VCF-style: chr21-26051070-A-G. GRCh37 (hg19) VCF-style: chr21-27423386-A-G.
Other names: c.577T>C, p.Ser193Pro (NM_001136016.3); c.424T>C, p.Ser142Pro (NM_001136129.3, NM_001136130.3); c.487T>C, p.Ser163Pro (NM_001136131.3); c.592T>C, p.Ser198Pro (NM_001204301.2, NM_001204302.2, NM_001204303.2 and 3 more transcripts); short protein forms S198P, S142P, S163P, S193P.
Identifiers: ClinVar variation 339645 (VCV000339645.21), dbSNP rs145081708, ClinGen allele CA9987616.
Genomic context (GRCh38, chr21:26,051,070, plus strand): 5'-CATAGTCTGTGTCTGCTCCGCCCCACCAGACATCCGAGTCATCCTCCTCCGCATCAGCAG[A>G]ATCCACATTGTCACTTTCTTCAGCCAGTGGGCAACACACAAACTCTACCCCTCGGAACTT-3'
Protein context (NP_000475.1, residues 188-208): PLAEESDNVD[Ser198Pro]ADAEEDDSDV